The following is an entry in ClinVar:

ClinVar aggregate classification (germline): Pathogenic (1 of 4 stars; one submission).

Conditions:
Hereditary cancer-predisposing syndrome. Also called: Tumor predisposition; Neoplastic Syndromes, Hereditary; Hereditary Cancer Syndrome; Hereditary neoplastic syndrome. Identifiers: Orphanet 140162, MedGen C0027672, MeSH D009386, MONDO:0015356.

Submission:

Ambry Genetics
Classification: Pathogenic for Hereditary cancer-predisposing syndrome. Last evaluated: 2024-07-11. Review status: criteria provided, single submitter. Criteria: Ambry Variant Classification Scheme 2023. Collection method: clinical testing. Allele origin: germline.
Comment: The c.6443_6447delCTATT pathogenic mutation, located in coding exon 10 of the BRCA2 gene, results from a deletion of 5 nucleotides at nucleotide positions 6443 to 6447, causing a translational frameshift with a predicted alternate stop codon (p.S2148*). This variant is considered to be rare based on population cohorts in the Genome Aggregation Database (gnomAD). This alteration is expected to result in loss of function by premature protein truncation or nonsense-mediated mRNA decay. As such, this alteration is interpreted as a disease-causing mutation.

NM_000059.4(BRCA2):c.6443_6447del (p.His2147_Ser2148insTer)

Gene: BRCA2 (BRCA2 DNA repair associated; plus strand). Cytogenetic location: 13q13.1.
Variant type: Deletion.
Coding change: c.6443_6447del on transcript NM_000059.4 (MANE Select); coding-DNA positions 6443 to 6447, 5 bases deleted (CTATT; older notation c.6443_6447delCTATT).
Protein change: p.His2147_Ser2148insTer.
Molecular consequence: nonsense. On other transcripts: non-coding transcript variant (1), intron variant (2).
Genome position (GRCh38, 1-based): chr13:32,340,798-32,340,802, CTATT deleted; deleting any 5 consecutive bases within chr13:32,340,797-32,340,802 gives the same sequence; the c. name uses the placement nearest the transcript's 3' end. VCF-style (leftmost placement, unchanged base first): chr13-32340796-CTCTAT-C. GRCh37 (hg19) VCF-style: chr13-32914933-CTCTAT-C.
Other names: c.6443_6447del, p.His2147_Ser2148insTer (NM_001406719.1, NM_001406720.1, NM_001432077.1); c.1910-3760_1910-3756del (NM_001406721.1); c.425-3760_425-3756del (NM_001406722.1).
Identifiers: ClinVar variation 3482002 (VCV003482002.1).